The following is an entry in ClinVar:

NM_020911.2(PLXNA4):c.1371+4362T>C

Gene: PLXNA4 (plexin A4; minus strand). Cytogenetic location: 7q32.3.
Variant type: single nucleotide variant.
Coding change: c.1371+4362T>C on transcript NM_020911.2 (MANE Select); 4362 bases into the intron after coding-DNA position 1371, T replaced by C.
Molecular consequence: intron variant. On other transcripts: synonymous variant (1).
Genome position (GRCh38, 1-based): chr7:132,484,930, A>G on the plus strand (T>C on the coding strand, the complement: PLXNA4 is on the minus strand). VCF-style: chr7-132484930-A-G. GRCh37 (hg19) VCF-style: chr7-132169689-A-G.
Other names: c.1455T>C, p.Ser485= (NM_181775.4); c.1371+4362T>C (NM_001393897.1, NM_001105543.2).
Identifiers: ClinVar variation 3355962 (VCV003355962.1).
Genomic context (GRCh38, chr7:132,484,930, plus strand): 5'-CTGATCTGATATTGCTTTGTGACTTGAGCACTGAAGATACACACACAGCATCTGTTCCTG[A>G]GAAGCAATGTTCGCCCCAGGTGGGTCTCCCTCCACTCCAATCCACTCCTGGGTGATTCCC-3'

ClinVar aggregate classification (germline): Likely benign (0 of 4 stars; one submission).

Conditions:
PLXNA4-related disorder. Also called: PLXNA4-related condition.

gnomAD v4.1: 2 of 1,614,182 alleles (0.00012%); highest among the groups gnomAD compares: Non-Finnish European, 0.00017%; no homozygotes.

Submission:

PreventionGenetics, part of Exact Sciences
Classification: Likely benign for PLXNA4-related condition. Last evaluated: 2023-01-26. Review status: no assertion criteria provided. Collection method: clinical testing. Allele origin: germline.
Comment: This variant is classified as likely benign based on ACMG/AMP sequence variant interpretation guidelines (Richards et al. 2015 PMID: 25741868, with internal and published modifications).